The following is an entry in ClinVar:

ClinVar aggregate classification (germline): Uncertain significance. Review status: criteria provided, multiple submitters, no conflicts (2 of 4 stars). 2 submissions from 2 submitters: Uncertain significance (2). Last evaluated 2025-06-12.

Conditions:
Inborn genetic diseases. Identifiers: MedGen C0950123, MeSH D030342.

Allele frequency attached by ClinVar (database versions not stated): gnomAD exomes below 0.00001.

Submissions (2):

GeneDx
Classification: Uncertain significance. Last evaluated: 2025-06-12. Review status: criteria provided, single submitter. Criteria: GeneDx Variant Classification Process June 2021. Collection method: clinical testing. Allele origin: germline. Affected: yes.
Comment: Not observed at significant frequency in large population cohorts (gnomAD); In silico analysis supports that this missense variant has a deleterious effect on protein structure/function; Has not been previously published as pathogenic or benign to our knowledge

Ambry Genetics
Classification: Uncertain significance for Inborn genetic diseases. Last evaluated: 2023-12-20. Review status: criteria provided, single submitter. Criteria: Ambry Variant Classification Scheme 2023. Collection method: clinical testing. Allele origin: germline.
Comment: The c.8555A>G (p.Y2852C) alteration is located in exon 56 (coding exon 53) of the WDFY3 gene. This alteration results from a A to G substitution at nucleotide position 8555, causing the tyrosine (Y) at amino acid position 2852 to be replaced by a cysteine (C). This variant was not reported in population-based cohorts in the Genome Aggregation Database (gnomAD). This amino acid position is highly conserved in available vertebrate species. This alteration is predicted to be deleterious by in silico analysis. Based on insufficient or conflicting evidence, the clinical significance of this alteration remains unclear.

NM_014991.6(WDFY3):c.8555A>G (p.Tyr2852Cys)

Gene: WDFY3 (WD repeat and FYVE domain containing 3; minus strand). Cytogenetic location: 4q21.23.
Variant type: single nucleotide variant.
Coding change: c.8555A>G on transcript NM_014991.6 (MANE Select); coding-DNA position 8555, A replaced by G.
Protein change: p.Tyr2852Cys; replaces tyrosine 2852 with cysteine.
Molecular consequence: missense variant.
Genome position (GRCh38, 1-based): chr4:84,702,394, T>C on the plus strand (A>G on the coding strand, the complement: WDFY3 is on the minus strand). VCF-style: chr4-84702394-T-C. GRCh37 (hg19) VCF-style: chr4-85623547-T-C.
Other names: short protein forms Y2852C.
Identifiers: ClinVar variation 3189741 (VCV003189741.2), dbSNP rs2531084816, ClinGen allele CA357539217.
Genomic context (GRCh38, chr4:84,702,394, plus strand): 5'-GTGCCATAGCTCTACGTACCTAGATCAAAGTTGTTGGAATTGAACAGGAATTCTGGTAAA[T>C]AAAAGAACTCTGGGATAAGTTCTTTTACATCTGCCATATTGTGCTTTGACGCTGAATACC-3'
Protein context (NP_055806.2, residues 2842-2862): DVKELIPEFF[Tyr2852Cys]LPEFLFNSNN